The following is an entry in ClinVar:

NM_002474.3(MYH11):c.2425A>G (p.Arg809Gly)

Gene: MYH11 (myosin heavy chain 11; minus strand). Cytogenetic location: 16p13.11.
Variant type: single nucleotide variant.
Coding change: c.2425A>G on transcript NM_002474.3 (MANE Select); coding-DNA position 2425, A replaced by G.
Protein change: p.Arg809Gly; replaces arginine 809 with glycine.
Molecular consequence: missense variant.
Genome position (GRCh38, 1-based): chr16:15,745,224, T>C on the plus strand (A>G on the coding strand, the complement: MYH11 is on the minus strand). VCF-style: chr16-15745224-T-C. GRCh37 (hg19) VCF-style: chr16-15839081-T-C.
Other names: c.2446A>G, p.Arg816Gly (NM_001040113.2, NM_001040114.2); c.2425A>G, p.Arg809Gly (NM_022844.3); short protein forms R809G, R816G.
Identifiers: ClinVar variation 1791070 (VCV001791070.2), dbSNP rs1459345516, ClinGen allele CA394866924.

ClinVar aggregate classification (germline): Uncertain significance (1 of 4 stars; one submission).

Conditions:
Familial thoracic aortic aneurysm and aortic dissection (TAAD). Also called: Thoracic aortic aneurysms and dissections. Identifiers: Orphanet 91387, MedGen C4707243, MONDO:0019625.

Submission:

Ambry Genetics
Classification: Uncertain significance for Familial thoracic aortic aneurysm and aortic dissection. Last evaluated: 2022-05-20. Review status: criteria provided, single submitter. Criteria: Ambry Variant Classification Scheme 2023. Collection method: clinical testing. Allele origin: germline.
Comment: The p.R809G variant (also known as c.2425A>G), located in coding exon 19 of the MYH11 gene, results from an A to G substitution at nucleotide position 2425. The arginine at codon 809 is replaced by glycine, an amino acid with dissimilar properties. This amino acid position is conserved. In addition, this alteration is predicted to be tolerated by in silico analysis. Since supporting evidence is limited at this time, the clinical significance of this alteration remains unclear.